The following is an entry in ClinVar:

ClinVar aggregate classification (germline): Uncertain significance (1 of 4 stars; one submission).

Submission:

Labcorp Genetics (formerly Invitae), Labcorp
Classification: Uncertain significance. Last evaluated: 2026-01-05. Review status: criteria provided, single submitter. Criteria: Invitae Variant Classification Sherloc (09022015). Collection method: clinical testing. Allele origin: germline.
Comment: This variant, c.36_37insTCC, results in the insertion of 1 amino acid(s) of the PACS2 protein (p.Ala12_Pro13insSer), but otherwise preserves the integrity of the reading frame. This variant is not present in population databases (gnomAD no frequency). This variant has not been reported in the literature in individuals affected with PACS2-related conditions. In summary, the available evidence is currently insufficient to determine the role of this variant in disease. Therefore, it has been classified as a Variant of Uncertain Significance.

NM_001100913.3(PACS2):c.36_37insTCC (p.Ala12_Pro13insSer)

Genes: BRF1 (BRF1 general transcription factor IIIB subunit; minus strand), PACS2 (phosphofurin acidic cluster sorting protein 2; plus strand). Cytogenetic location: 14q32.33.
Variant type: Insertion.
Coding change: c.36_37insTCC on transcript NM_001100913.3 (MANE Select); coding-DNA positions 36 to 37, TCC inserted.
Protein change: p.Ala12_Pro13insSer.
Molecular consequence: inframe insertion. On other transcripts: intron variant (4).
Genome position: GRCh38 VCF-style: chr14-105314954-G-GTCC. GRCh37 (hg19) VCF-style: chr14-105781291-G-GTCC.
Other names: c.36_37insTCC, p.Ala12_Pro13insSer (NM_015197.4); c.-162+367_-162+368insGGA (NM_001440451.1, NM_001242787.2, NM_001242786.2); c.-83+13975_-83+13976insTCC (NM_001243127.3).
Identifiers: ClinVar variation 4734744 (VCV004734744.1).